The following is an entry in ClinVar:

t(X;18)(p21.1;q21.31)

Gene: NEDD4L (NEDD4 like E3 ubiquitin protein ligase; plus strand). Cytogenetic location: 18q21.31.
Variant type: Translocation.
Identifiers: ClinVar variation 592171 (VCV000592171.2).

ClinVar aggregate classification (germline): Likely pathogenic (0 of 4 stars; one submission).

Conditions:
Periventricular nodular heterotopia 7 (PVNH7). Identifiers: MedGen C4310669, MONDO:0014966, OMIM 617201.

Submission:

Genetics Division, Universidade Federal de Sao Paulo
Classification: Likely pathogenic for Periventricular nodular heterotopia 7. Last evaluated: 2016-05-01. Review status: no assertion criteria provided. Collection method: research. Allele origin: de novo. Inheritance: Autosomal dominant inheritance. Affected: yes. Observed: 1 heterozygote.